The following is an entry in ClinVar:

NM_004104.5(FASN):c.2644G>A (p.Gly882Ser)

Gene: FASN (fatty acid synthase; minus strand). Cytogenetic location: 17q25.3.
Variant type: single nucleotide variant.
Coding change: c.2644G>A on transcript NM_004104.5 (MANE Select); coding-DNA position 2644, G replaced by A.
Protein change: p.Gly882Ser; replaces glycine 882 with serine.
Molecular consequence: missense variant.
Genome position (GRCh38, 1-based): chr17:82,088,257, C>T on the plus strand (G>A on the coding strand, the complement: FASN is on the minus strand). VCF-style: chr17-82088257-C-T. GRCh37 (hg19) VCF-style: chr17-80046133-C-T.
Other names: short protein forms G882S.
Identifiers: ClinVar variation 943401 (VCV000943401.8), dbSNP rs748305734, ClinGen allele CA501208.

ClinVar aggregate classification (germline): Uncertain significance (1 of 4 stars; one submission).

Conditions:
Epileptic encephalopathy. Identifiers: MedGen C0543888, HP:0200134.

Allele frequency attached by ClinVar (database versions not stated): gnomAD exomes 0.00002 and 0.00005; TOPMed 0.00002; ExAC 0.00003; gnomAD 0.00003.
gnomAD v4.1: 69 of 1,606,612 alleles (0.0043%); highest among the groups gnomAD compares: Non-Finnish European, 0.0053%; no homozygotes.

Submission:

Labcorp Genetics (formerly Invitae), Labcorp
Classification: Uncertain significance for Epileptic encephalopathy. Last evaluated: 2025-08-29. Review status: criteria provided, single submitter. Criteria: Invitae Variant Classification Sherloc (09022015). Collection method: clinical testing. Allele origin: germline.
Comment: This sequence change replaces glycine, which is neutral and non-polar, with serine, which is neutral and polar, at codon 882 of the FASN protein (p.Gly882Ser). This variant is present in population databases (rs748305734, gnomAD 0.01%). This variant has not been reported in the literature in individuals affected with FASN-related conditions. ClinVar contains an entry for this variant (Variation ID: 943401). An algorithm developed to predict the effect of missense changes on protein structure and function outputs the following: PolyPhen-2: "Probably Damaging". The serine amino acid residue is found in multiple mammalian species, which suggests that this missense change does not adversely affect protein function. In summary, the available evidence is currently insufficient to determine the role of this variant in disease. Therefore, it has been classified as a Variant of Uncertain Significance.